The following is an entry in ClinVar:

ClinVar aggregate classification (germline): Uncertain significance (1 of 4 stars; one submission).

Submission:

Labcorp Genetics (formerly Invitae), Labcorp
Classification: Uncertain significance. Last evaluated: 2022-04-06. Review status: criteria provided, single submitter. Criteria: Invitae Variant Classification Sherloc (09022015). Collection method: clinical testing. Allele origin: germline.
Comment: In summary, the available evidence is currently insufficient to determine the role of this variant in disease. Therefore, it has been classified as a Variant of Uncertain Significance. Algorithms developed to predict the effect of missense changes on protein structure and function are either unavailable or do not agree on the potential impact of this missense change (SIFT: "Not Available"; PolyPhen-2: "Probably Damaging"; Align-GVGD: "Not Available"). This variant has not been reported in the literature in individuals affected with SOX5-related conditions. This variant is not present in population databases (gnomAD no frequency). This sequence change replaces lysine, which is basic and polar, with arginine, which is basic and polar, at codon 638 of the SOX5 protein (p.Lys638Arg).

NM_006940.6(SOX5):c.1913A>G (p.Lys638Arg)

Gene: SOX5 (SRY-box transcription factor 5; minus strand). Cytogenetic location: 12p12.1.
Variant type: single nucleotide variant.
Coding change: c.1913A>G on transcript NM_006940.6 (MANE Select); coding-DNA position 1913, A replaced by G.
Protein change: p.Lys638Arg; replaces lysine 638 with arginine.
Molecular consequence: missense variant.
Genome position (GRCh38, 1-based): chr12:23,536,528, T>C on the plus strand (A>G on the coding strand, the complement: SOX5 is on the minus strand). VCF-style: chr12-23536528-T-C. GRCh37 (hg19) VCF-style: chr12-23689462-T-C.
Other names: c.1550A>G, p.Lys517Arg (NM_001261414.3); c.1883A>G, p.Lys628Arg (NM_001261415.3); c.1808A>G, p.Lys603Arg (NM_001330785.2); c.1874A>G, p.Lys625Arg (NM_152989.5); c.755A>G, p.Lys252Arg (NM_178010.4); short protein forms K252R, K628R, K638R, K625R, K517R, K603R.
Identifiers: ClinVar variation 2122298 (VCV002122298.4), dbSNP rs2547740424, ClinGen allele CA384319329.
Genomic context (GRCh38, chr12:23,536,528, plus strand): 5'-TGCCGCATTTCCTGCCGCCTGTTGCGCATGATTGCCTTGTATTCACCAATGCGCAGCTTT[T>C]TGCCATCCACCAGGCAGGTGCGCTTTGGCCTGGGCTTGTACTTATAGTCAGGGTACTTCT-3'
Protein context (NP_008871.3, residues 628-648): RPKRTCLVDG[Lys638Arg]KLRIGEYKAI